The following is an entry in ClinVar:

NM_000051.4(ATM):c.1586G>C (p.Gly529Ala)

Gene: ATM (ATM serine/threonine kinase; plus strand). Cytogenetic location: 11q22.3.
Variant type: single nucleotide variant.
Coding change: c.1586G>C on transcript NM_000051.4 (MANE Select); coding-DNA position 1586, G replaced by C.
Protein change: p.Gly529Ala; replaces glycine 529 with alanine.
Molecular consequence: missense variant.
Genome position (GRCh38, 1-based): chr11:108,251,051, G>C. VCF-style: chr11-108251051-G-C. GRCh37 (hg19) VCF-style: chr11-108121778-G-C.
Other names: c.1586G>C, p.Gly529Ala (NM_001351834.2); short protein forms G529A.
Identifiers: ClinVar variation 1775807 (VCV001775807.5), dbSNP rs1555071242, ClinGen allele CA382534415.

ClinVar aggregate classification (germline): Uncertain significance. Review status: criteria provided, multiple submitters, no conflicts (2 of 4 stars). 2 submissions from 2 submitters: Uncertain significance (2). Last evaluated 2024-04-01.

Conditions:
Hereditary cancer-predisposing syndrome. Also called: Tumor predisposition; Neoplastic Syndromes, Hereditary; Hereditary Cancer Syndrome; Hereditary neoplastic syndrome. Identifiers: Orphanet 140162, MedGen C0027672, MeSH D009386, MONDO:0015356.
Ataxia-telangiectasia syndrome (AT). Also called: LOUIS-BAR SYNDROME; Cerebello-oculocutaneous telangiectasia; Immunodeficiency with ataxia telangiectasia; Ataxia-telangiectasia, complementation group D; AT, COMPLEMENTATION GROUP C; ATAXIA-TELANGIECTASIA, COMPLEMENTATION GROUP A. Identifiers: Orphanet 100, MedGen C0004135, MONDO:0008840, OMIM 208900.

Submissions (2):

Labcorp Genetics (formerly Invitae), Labcorp
Classification: Uncertain significance for Ataxia-telangiectasia syndrome. Last evaluated: 2024-04-01. Review status: criteria provided, single submitter. Criteria: Invitae Variant Classification Sherloc (09022015). Collection method: clinical testing. Allele origin: germline.
Comment: This sequence change replaces glycine, which is neutral and non-polar, with alanine, which is neutral and non-polar, at codon 529 of the ATM protein (p.Gly529Ala). This variant is not present in population databases (gnomAD no frequency). This variant has not been reported in the literature in individuals affected with ATM-related conditions. ClinVar contains an entry for this variant (Variation ID: 1775807). An algorithm developed to predict the effect of missense changes on protein structure and function (PolyPhen-2) suggests that this variant is likely to be tolerated. In summary, the available evidence is currently insufficient to determine the role of this variant in disease. Therefore, it has been classified as a Variant of Uncertain Significance.

Ambry Genetics
Classification: Uncertain significance for Hereditary cancer-predisposing syndrome. Last evaluated: 2023-04-19. Review status: criteria provided, single submitter. Criteria: Ambry Variant Classification Scheme 2023. Collection method: clinical testing. Allele origin: germline.
Comment: The p.G529A variant (also known as c.1586G>C), located in coding exon 9 of the ATM gene, results from a G to C substitution at nucleotide position 1586. The glycine at codon 529 is replaced by alanine, an amino acid with similar properties. This amino acid position is highly conserved in available vertebrate species. In addition, this alteration is predicted to be deleterious by in silico analysis. Since supporting evidence is limited at this time, the clinical significance of this alteration remains unclear.